The following is an entry in ClinVar:

NM_016169.4(SUFU):c.1021C>G (p.Pro341Ala)

Gene: SUFU (SUFU negative regulator of hedgehog signaling; plus strand). Cytogenetic location: 10q24.32.
Variant type: single nucleotide variant.
Coding change: c.1021C>G on transcript NM_016169.4 (MANE Select); coding-DNA position 1021, C replaced by G.
Protein change: p.Pro341Ala; replaces proline 341 with alanine.
Molecular consequence: missense variant.
Genome position (GRCh38, 1-based): chr10:102,599,543, C>G. VCF-style: chr10-102599543-C-G. GRCh37 (hg19) VCF-style: chr10-104359300-C-G.
Other names: c.1021C>G (NM_016169.3); c.1021C>G, p.Pro341Ala (NM_001178133.2); short protein forms P341A.
Identifiers: ClinVar variation 1035615 (VCV001035615.13), dbSNP rs2063496822, ClinGen allele CA377911211.

ClinVar aggregate classification (germline): Uncertain significance. Review status: criteria provided, multiple submitters, no conflicts (2 of 4 stars). 2 submissions from 2 submitters: Uncertain significance (2). Last evaluated 2025-08-08.

Conditions:
Gorlin syndrome. Also called: Basal cell nevus syndrome; Nevoid Basal Cell Carcinoma Syndrome. Identifiers: Orphanet 377, MedGen C0004779, MONDO:0007187.
Medulloblastoma (MDB). Also called: Medulloblastoma, somatic; MEDULLOBLASTOMA PREDISPOSITION SYNDROME. Identifiers: Orphanet 616, MedGen C0025149, MeSH D008527, MONDO:0007959, OMIM 155255, HP:0002885.
Hereditary cancer-predisposing syndrome. Also called: Neoplastic Syndromes, Hereditary; Hereditary Cancer Syndrome; Tumor predisposition; Hereditary neoplastic syndrome. Identifiers: Orphanet 140162, MedGen C0027672, MeSH D009386, MONDO:0015356.

Allele frequency attached by ClinVar (database versions not stated): gnomAD exomes below 0.00001.
gnomAD v4.1: 1 of 1,613,858 alleles (0.000062%); highest among the groups gnomAD compares: Middle Eastern, 0.017%; no homozygotes.

Submissions (2):

Ambry Genetics
Classification: Uncertain significance for Hereditary cancer-predisposing syndrome. Last evaluated: 2025-08-08. Review status: criteria provided, single submitter. Criteria: Ambry Variant Classification Scheme 2023. Collection method: clinical testing. Allele origin: germline.
Comment: The p.P341A variant (also known as c.1021C>G), located in coding exon 8 of the SUFU gene, results from a C to G substitution at nucleotide position 1021. The proline at codon 341 is replaced by alanine, an amino acid with highly similar properties. This amino acid position is conserved. In addition, this alteration is predicted to be tolerated by in silico analysis. Since supporting evidence is limited at this time, the clinical significance of this alteration remains unclear.

Labcorp Genetics (formerly Invitae), Labcorp
Classification: Uncertain significance for Gorlin syndrome; Medulloblastoma. Last evaluated: 2022-12-15. Review status: criteria provided, single submitter. Criteria: Invitae Variant Classification Sherloc (09022015). Collection method: clinical testing. Allele origin: germline.
Comment: This sequence change replaces proline, which is neutral and non-polar, with alanine, which is neutral and non-polar, at codon 341 of the SUFU protein (p.Pro341Ala). In summary, the available evidence is currently insufficient to determine the role of this variant in disease. Therefore, it has been classified as a Variant of Uncertain Significance. Algorithms developed to predict the effect of missense changes on protein structure and function (SIFT, PolyPhen-2, Align-GVGD) all suggest that this variant is likely to be tolerated. ClinVar contains an entry for this variant (Variation ID: 1035615). This variant has not been reported in the literature in individuals affected with SUFU-related conditions. This variant is not present in population databases (gnomAD no frequency).